The following is an entry in ClinVar:

NM_001105206.3(LAMA4):c.4768G>A (p.Gly1590Ser)

Gene: LAMA4 (laminin subunit alpha 4; minus strand). Cytogenetic location: 6q21.
Variant type: single nucleotide variant.
Coding change: c.4768G>A on transcript NM_001105206.3 (MANE Select); coding-DNA position 4768, G replaced by A.
Protein change: p.Gly1590Ser; replaces glycine 1590 with serine.
Molecular consequence: missense variant.
Genome position (GRCh38, 1-based): chr6:112,119,209, C>T on the plus strand (G>A on the coding strand, the complement: LAMA4 is on the minus strand). VCF-style: chr6-112119209-C-T. GRCh37 (hg19) VCF-style: chr6-112440412-C-T.
Other names: c.4747G>A, p.Gly1583Ser (NM_001105207.3, NM_002290.5); short protein forms G1590S, G1583S.
Identifiers: ClinVar variation 1742804 (VCV001742804.3), dbSNP rs2114583228, ClinGen allele CA365367956.
Genomic context (GRCh38, chr6:112,119,209, plus strand): 5'-GGCTTACCTGAACATTTTTCACAGCCTTTCCAGGAGCCACACCTCCCAAATAAATGGGAC[C>T]CTTGATTTTCCAGGTAGCTTCAGTAGGAGGAAGACTTTCTTCTAGGACTCGGAGACCATC-3'
Protein context (NP_001098676.2, residues 1580-1600): PPTEATWKIK[Gly1590Ser]PIYLGGVAPG

ClinVar aggregate classification (germline): Uncertain significance. Review status: criteria provided, multiple submitters, no conflicts (2 of 4 stars). 2 submissions from 2 submitters: Uncertain significance (2). Last evaluated 2026-01-07.

Conditions:
Cardiovascular phenotype. Identifiers: MedGen CN230736.
Dilated cardiomyopathy 1JJ (CMD1JJ). Identifiers: Orphanet 154, MedGen C3808935, MONDO:0014095, OMIM 615235.

Submissions (2):

Labcorp Genetics (formerly Invitae), Labcorp
Classification: Uncertain significance for Dilated cardiomyopathy 1JJ. Last evaluated: 2026-01-07. Review status: criteria provided, single submitter. Criteria: Invitae Variant Classification Sherloc (09022015). Collection method: clinical testing. Allele origin: germline.
Comment: This sequence change replaces glycine, which is neutral and non-polar, with serine, which is neutral and polar, at codon 1583 of the LAMA4 protein (p.Gly1583Ser). This variant is not present in population databases (gnomAD no frequency). This variant has not been reported in the literature in individuals affected with LAMA4-related conditions. ClinVar contains an entry for this variant (Variation ID: 1742804). Invitae Evidence Modeling of protein sequence and biophysical properties (such as structural, functional, and spatial information, amino acid conservation, physicochemical variation, residue mobility, and thermodynamic stability) indicates that this missense variant is not expected to disrupt LAMA4 protein function with a negative predictive value of 80%. In summary, the available evidence is currently insufficient to determine the role of this variant in disease. Therefore, it has been classified as a Variant of Uncertain Significance.

Ambry Genetics
Classification: Uncertain significance for Cardiovascular phenotype. Last evaluated: 2021-01-05. Review status: criteria provided, single submitter. Criteria: Ambry Variant Classification Scheme 2023. Collection method: clinical testing. Allele origin: germline.
Comment: The p.G1583S variant (also known as c.4747G>A), located in coding exon 33 of the LAMA4 gene, results from a G to A substitution at nucleotide position 4747. The glycine at codon 1583 is replaced by serine, an amino acid with similar properties. This amino acid position is not well conserved in available vertebrate species, and serine is the reference amino acid in other vertebrate species. In addition, this alteration is predicted to be tolerated by in silico analysis. Since supporting evidence is limited at this time, the clinical significance of this alteration remains unclear.